The following is an entry in ClinVar:

ClinVar aggregate classification (germline): Uncertain significance (1 of 4 stars; one submission).

Conditions:
Inborn genetic diseases. Identifiers: MedGen C0950123, MeSH D030342.

Submission:

Ambry Genetics
Classification: Uncertain significance for Inborn genetic diseases. Last evaluated: 2024-07-23. Review status: criteria provided, single submitter. Criteria: Ambry Variant Classification Scheme 2023. Collection method: clinical testing. Allele origin: germline.
Comment: The p.E582K variant (also known as c.1744G>A), located in coding exon 18 of the ERCC2 gene, results from a G to A substitution at nucleotide position 1744. The glutamic acid at codon 582 is replaced by lysine, an amino acid with similar properties. This amino acid position is conserved. In addition, the in silico prediction for this alteration is inconclusive. Based on the available evidence, the clinical significance of this variant remains unclear.

NM_000400.4(ERCC2):c.1744G>A (p.Glu582Lys)

Gene: ERCC2 (ERCC excision repair 2, TFIIH core complex helicase subunit; minus strand). Cytogenetic location: 19q13.32.
Variant type: single nucleotide variant.
Coding change: c.1744G>A on transcript NM_000400.4 (MANE Select); coding-DNA position 1744, G replaced by A.
Protein change: p.Glu582Lys; replaces glutamic acid 582 with lysine.
Molecular consequence: missense variant.
Genome position (GRCh38, 1-based): chr19:45,353,256, C>T on the plus strand (G>A on the coding strand, the complement: ERCC2 is on the minus strand). VCF-style: chr19-45353256-C-T. GRCh37 (hg19) VCF-style: chr19-45856514-C-T.
Other names: short protein forms E582K.
Identifiers: ClinVar variation 3509832 (VCV003509832.1).